The following is an entry in ClinVar:

ClinVar aggregate classification (germline): Likely benign. Review status: criteria provided, multiple submitters, no conflicts (2 of 4 stars). 4 submissions from 4 submitters: Likely benign (3). 1 of the submissions does not count toward it. Last evaluated 2026-01-28.

Conditions:
Bardet-Biedl syndrome 10 (BBS10). Identifiers: Orphanet 110, MedGen C1859568, MONDO:0014438, OMIM 615987.
BBS10-related disorder. Also called: BBS10-related condition.
Bardet-Biedl syndrome (BBS). Identifiers: Orphanet 110, MedGen C0752166, MONDO:0015229.

Allele frequency attached by ClinVar (database versions not stated): gnomAD 0.00002; TOPMed 0.00002; gnomAD exomes 0.00004 and 0.00005; ExAC 0.00006; ESP Exome Variant Server 0.00008.
gnomAD v4.1: 80 of 1,613,938 alleles (0.005%); highest among the groups gnomAD compares: Non-Finnish European, 0.0064%; no homozygotes.

Submissions (4):

Labcorp Genetics (formerly Invitae), Labcorp
Classification: Likely benign for Bardet-Biedl syndrome. Last evaluated: 2026-01-28. Review status: criteria provided, single submitter. Criteria: Invitae Variant Classification Sherloc (09022015). Collection method: clinical testing. Allele origin: germline.

Blueprint Genetics
Classification: Likely benign. Last evaluated: 2023-08-17. Review status: criteria provided, single submitter. Criteria: ACMG Guidelines, 2015. Collection method: clinical testing. Allele origin: germline.

Fulgent Genetics
Classification: Likely benign for Bardet-Biedl syndrome 10. Last evaluated: 2021-12-30. Review status: criteria provided, single submitter. Criteria: ACMG Guidelines, 2015. Collection method: clinical testing. Allele origin: unknown.

PreventionGenetics, part of Exact Sciences
Classification: Likely benign for BBS10-related condition. Last evaluated: 2019-11-25. Review status: no assertion criteria provided. Collection method: clinical testing. Allele origin: germline. Not counted in ClinVar's aggregate classification.
Comment: This variant is classified as likely benign based on ACMG/AMP sequence variant interpretation guidelines (Richards et al. 2015 PMID: 25741868, with internal and published modifications).

NM_024685.4(BBS10):c.637T>C (p.Leu213=)

Gene: BBS10 (Bardet-Biedl syndrome 10; minus strand). Cytogenetic location: 12q21.2.
Variant type: single nucleotide variant.
Coding change: c.637T>C on transcript NM_024685.4 (MANE Select); coding-DNA position 637, T replaced by C.
Protein change: p.Leu213=; no amino-acid change (leucine 213 retained).
Molecular consequence: synonymous variant.
Genome position (GRCh38, 1-based): chr12:76,347,348, A>G on the plus strand (T>C on the coding strand, the complement: BBS10 is on the minus strand). VCF-style: chr12-76347348-A-G. GRCh37 (hg19) VCF-style: chr12-76741128-A-G.
Identifiers: ClinVar variation 703247 (VCV000703247.14), dbSNP rs367795705, ClinGen allele CA6694311.